The following is an entry in ClinVar:

NM_004646.4(NPHS1):c.803del (p.Arg268fs)

Gene: NPHS1 (NPHS1 adhesion molecule, nephrin; minus strand). Cytogenetic location: 19q13.12.
Variant type: Deletion.
Coding change: c.803del on transcript NM_004646.4 (MANE Select); coding-DNA position 803, one base deleted (G; older notation c.803delG).
Protein change: p.Arg268fs; shifts the reading frame from arginine 268.
Molecular consequence: frameshift variant.
Genome position (GRCh38, 1-based): chr19:35,849,273, C deleted on the plus strand (G on the coding strand, the reverse complement: NPHS1 is on the minus strand). VCF-style (leftmost placement, unchanged base first): chr19-35849272-TC-T. GRCh37 (hg19) VCF-style: chr19-36340174-TC-T.
Other names: c.803del (NM_004646.3); c.803delG, p.Arg268Glnfs (NM_004646.3); short protein forms R268fs.
Identifiers: ClinVar variation 2135796 (VCV002135796.7), dbSNP rs1973192570, ClinGen allele CA2333850815.

ClinVar aggregate classification (germline): Pathogenic/Likely pathogenic. Review status: criteria provided, multiple submitters, no conflicts (2 of 4 stars). 3 submissions from 3 submitters: Pathogenic (2); Likely pathogenic (1). Last evaluated 2025-02-12.

Conditions:
Finnish congenital nephrotic syndrome (NPHS1). Also called: NEPHROTIC SYNDROME, TYPE 1. Identifiers: Orphanet 839, MedGen C0403399, MONDO:0009732, OMIM 256300.

Allele frequency attached by ClinVar (database versions not stated): TOPMed below 0.00001.

Submissions (3):

Myriad Genetics, Inc.
Classification: Pathogenic for Finnish congenital nephrotic syndrome. Last evaluated: 2025-02-12. Review status: criteria provided, single submitter. Criteria: Myriad Autosomal Dominant, Autosomal Recessive and X-Linked Classification Criteria (2023). Collection method: clinical testing. Allele origin: unknown.
Comment: NM_004646.3(NPHS1):c.803delG(R268Qfs*6) is expected to be pathogenic in the context of nephrotic syndrome, NPHS1-related. This variant is predicted to lead to an abnormal or absent protein product due to the creation of a premature termination codon in NPHS1, a gene where loss-of-function variants are known to be pathogenic. Please note: this variant was assessed in the context of healthy population screening.

Natera, Inc.
Classification: Likely pathogenic for Finnish congenital nephrotic syndrome. Last evaluated: 2025-01-27. Review status: criteria provided, single submitter. Criteria: Natera Variant Classification Schema (03/2026). Collection method: clinical testing. Allele origin: germline.
Comment: The c.803del variant in NPHS1 is a frameshift variant predicted to shift the reading frame beginning at codon 268 and leads to a stop codon 6 codons downstream. This variant is expected to result in nonsense mediated decay, truncation, or a dysfunctional protein product. This variant is rare in the general population with a frequency below the threshold expected for the associated phenotype(s). Given the available evidence, this variant is classified as Likely Pathogenic.

Labcorp Genetics (formerly Invitae), Labcorp
Classification: Pathogenic. Last evaluated: 2022-05-09. Review status: criteria provided, single submitter. Criteria: Invitae Variant Classification Sherloc (09022015). Collection method: clinical testing. Allele origin: germline.
Comment: This variant is not present in population databases (gnomAD no frequency). For these reasons, this variant has been classified as Pathogenic. This variant has not been reported in the literature in individuals affected with NPHS1-related conditions. This sequence change creates a premature translational stop signal (p.Arg268Glnfs*6) in the NPHS1 gene. It is expected to result in an absent or disrupted protein product. Loss-of-function variants in NPHS1 are known to be pathogenic (PMID: 11317351, 11854170, 12039988).

Literature cited by the submitters: PubMed 11317351 (cited by Labcorp Genetics (formerly Invitae), Labcorp); PubMed 11854170 (cited by Labcorp Genetics (formerly Invitae), Labcorp); PubMed 12039988 (cited by Labcorp Genetics (formerly Invitae), Labcorp).